The following is an entry in ClinVar:

ClinVar aggregate classification (germline): Uncertain significance (0 of 4 stars; one submission).

Conditions:
TTN-related disorder. Also called: TTN-related disorders; TTN-related condition; TTN-related disease.

gnomAD v4.1: 3 of 1,612,322 alleles (0.00019%); highest among the groups gnomAD compares: African/African-American, 0.004%; no homozygotes.

Submission:

PreventionGenetics, part of Exact Sciences
Classification: Uncertain significance for TTN-related condition. Last evaluated: 2024-03-20. Review status: no assertion criteria provided. Collection method: clinical testing. Allele origin: germline.
Comment: The TTN c.13534T>C variant is predicted to result in the amino acid substitution p.Tyr4512His. This variant is referred to as c.11311+4258T>C (intronic) with an alternate transcript NM_001267550. To our knowledge, this variant has not been reported in the literature or in a large population database, indicating this variant is rare. At this time, the clinical significance of this variant is uncertain due to the absence of conclusive functional and genetic evidence.

NM_001267550.2(TTN):c.11311+4258T>C

Gene: TTN (titin; minus strand). Cytogenetic location: 2q31.2.
Variant type: single nucleotide variant.
Coding change: c.11311+4258T>C on transcript NM_001267550.2 (MANE Select); 4258 bases into the intron after coding-DNA position 11311, T replaced by C.
Molecular consequence: intron variant. On other transcripts: missense variant (1).
Genome position (GRCh38, 1-based): chr2:178,748,866, A>G on the plus strand (T>C on the coding strand, the complement: TTN is on the minus strand). VCF-style: chr2-178748866-A-G. GRCh37 (hg19) VCF-style: chr2-179613593-A-G.
Other names: c.13534T>C, p.Tyr4512His (NM_133379.5); c.10222+4258T>C (NM_003319.4); c.10798+4258T>C (NM_133437.4); c.10597+4258T>C (NM_133432.3); c.10360+4258T>C (NM_133378.4, NM_001256850.1); short protein forms Y4512H.
Identifiers: ClinVar variation 3348260 (VCV003348260.1).